The following is an entry in ClinVar:

ClinVar aggregate classification (germline): Uncertain significance. Review status: criteria provided, multiple submitters, no conflicts (2 of 4 stars). 2 submissions from 2 submitters: Uncertain significance (2). Last evaluated 2025-01-06.

Conditions:
Inborn genetic diseases. Identifiers: MedGen C0950123, MeSH D030342.

Allele frequency attached by ClinVar (database versions not stated): gnomAD exomes 0.00001; gnomAD 0.00003; TOPMed 0.00003.
gnomAD v4.1: 26 of 1,547,598 alleles (0.0017%); highest among the groups gnomAD compares: Admixed American, 0.0059%; no homozygotes.

Submissions (2):

Labcorp Genetics (formerly Invitae), Labcorp
Classification: Uncertain significance. Last evaluated: 2025-01-06. Review status: criteria provided, single submitter. Criteria: Invitae Variant Classification Sherloc (09022015). Collection method: clinical testing. Allele origin: germline.
Comment: This sequence change replaces proline, which is neutral and non-polar, with leucine, which is neutral and non-polar, at codon 354 of the DVL1 protein (p.Pro354Leu). This variant is present in population databases (no rsID available, gnomAD 0.005%). This variant has not been reported in the literature in individuals affected with DVL1-related conditions. ClinVar contains an entry for this variant (Variation ID: 1025634). Invitae Evidence Modeling of protein sequence and biophysical properties (such as structural, functional, and spatial information, amino acid conservation, physicochemical variation, residue mobility, and thermodynamic stability) has been performed for this missense variant. However, the output from this modeling did not meet the statistical confidence thresholds required to predict the impact of this variant on DVL1 protein function. In summary, the available evidence is currently insufficient to determine the role of this variant in disease. Therefore, it has been classified as a Variant of Uncertain Significance.

Ambry Genetics
Classification: Uncertain significance for Inborn genetic diseases. Last evaluated: 2023-12-18. Review status: criteria provided, single submitter. Criteria: Ambry Variant Classification Scheme 2023. Collection method: clinical testing. Allele origin: germline.

NM_001330311.2(DVL1):c.1061C>T (p.Pro354Leu)

Gene: DVL1 (dishevelled segment polarity protein 1; minus strand). Cytogenetic location: 1p36.33.
Variant type: single nucleotide variant.
Coding change: c.1061C>T on transcript NM_001330311.2 (MANE Select); coding-DNA position 1061, C replaced by T.
Protein change: p.Pro354Leu; replaces proline 354 with leucine.
Molecular consequence: missense variant.
Genome position (GRCh38, 1-based): chr1:1,339,433, G>A on the plus strand (C>T on the coding strand, the complement: DVL1 is on the minus strand). VCF-style: chr1-1339433-G-A. GRCh37 (hg19) VCF-style: chr1-1274813-G-A.
Other names: c.1061C>T, p.Pro354Leu (NM_004421.3); c.1061C>T (NM_004421.2); short protein forms P354L.
Identifiers: ClinVar variation 1025634 (VCV001025634.9), dbSNP rs1047862834, ClinGen allele CA16756197.
Genomic context (GRCh38, chr1:1,339,433, plus strand): 5'-AGGGCTCCTGTCAGTGCCGCCGTGTGGGACAGCCAGGCGGCGGGGTCGATGGGCCGCACC[G>A]GGTCAGCTGGGTGGCCGCCACGTGGCGATGACAGGCGGACAGATGGACAGGGTGGGAGGG-3'
Protein context (NP_001317240.1, residues 344-364): RSYFTVPRAD[Pro354Leu]VRPIDPAAWL